The following is an entry in ClinVar:

NM_001365951.3(KIF1B):c.1723C>T (p.His575Tyr)

Gene: KIF1B (kinesin family member 1B; plus strand). Cytogenetic location: 1p36.22.
Variant type: single nucleotide variant.
Coding change: c.1723C>T on transcript NM_001365951.3 (MANE Select); coding-DNA position 1723, C replaced by T.
Protein change: p.His575Tyr; replaces histidine 575 with tyrosine.
Molecular consequence: missense variant.
Genome position (GRCh38, 1-based): chr1:10,295,712, C>T. VCF-style: chr1-10295712-C-T. GRCh37 (hg19) VCF-style: chr1-10355770-C-T.
Other names: c.1723C>T, p.His575Tyr (NM_001365952.1); c.1585C>T, p.His529Tyr (NM_001365953.1, NM_015074.3, NM_183416.4); short protein forms H575Y, H529Y.
Identifiers: ClinVar variation 1775787 (VCV001775787.5), dbSNP rs768426472, ClinGen allele CA581063.

ClinVar aggregate classification (germline): Uncertain significance. Review status: criteria provided, multiple submitters, no conflicts (2 of 4 stars). 2 submissions from 2 submitters: Uncertain significance (2). Last evaluated 2024-08-07.

Conditions:
Charcot-Marie-Tooth disease type 2. Also called: Charcot-Marie-Tooth type 2. Identifiers: Orphanet 64746, MedGen C0270914, MONDO:0018993.

Allele frequency attached by ClinVar (database versions not stated): ExAC 0.00001.
gnomAD v4.1: 3 of 1,613,844 alleles (0.00019%); highest among the groups gnomAD compares: East Asian, 0.0022%; no homozygotes.

Submissions (2):

Ambry Genetics
Classification: Uncertain significance. Last evaluated: 2024-08-07. Review status: criteria provided, single submitter. Criteria: Ambry Variant Classification Scheme 2023. Collection method: clinical testing. Allele origin: germline.
Comment: The p.H529Y variant (also known as c.1585C>T), located in coding exon 16 of the KIF1B gene, results from a C to T substitution at nucleotide position 1585. The histidine at codon 529 is replaced by tyrosine, an amino acid with similar properties. This amino acid position is well conserved in available vertebrate species. In addition, the in silico prediction for this alteration is inconclusive. Since supporting evidence is limited at this time, the clinical significance of this alteration remains unclear.

Labcorp Genetics (formerly Invitae), Labcorp
Classification: Uncertain significance for Charcot-Marie-Tooth disease type 2. Last evaluated: 2024-02-08. Review status: criteria provided, single submitter. Criteria: Invitae Variant Classification Sherloc (09022015). Collection method: clinical testing. Allele origin: germline.
Comment: This sequence change replaces histidine, which is basic and polar, with tyrosine, which is neutral and polar, at codon 529 of the KIF1B protein (p.His529Tyr). This variant is present in population databases (rs768426472, gnomAD 0.006%). This variant has not been reported in the literature in individuals affected with KIF1B-related conditions. ClinVar contains an entry for this variant (Variation ID: 1775787). Advanced modeling of protein sequence and biophysical properties (such as structural, functional, and spatial information, amino acid conservation, physicochemical variation, residue mobility, and thermodynamic stability) performed at Invitae indicates that this missense variant is not expected to disrupt KIF1B protein function with a negative predictive value of 80%. In summary, the available evidence is currently insufficient to determine the role of this variant in disease. Therefore, it has been classified as a Variant of Uncertain Significance.